The following is an entry in ClinVar:

ClinVar aggregate classification (germline): Uncertain significance (1 of 4 stars; one submission).

Conditions:
DIP2A-related disorder. Also called: DIP2A-related condition.

Allele frequency attached by ClinVar (database versions not stated): ExAC 0.00001; gnomAD exomes 0.00001.
gnomAD v4.1: 16 of 1,613,962 alleles (0.00099%); highest among the groups gnomAD compares: Non-Finnish European, 0.0014%; no homozygotes.

Submission:

PreventionGenetics, part of Exact Sciences
Classification: Uncertain significance for DIP2A-related condition. Last evaluated: 2023-10-11. Review status: criteria provided, single submitter. Criteria: ACMG Guidelines, 2015. Collection method: clinical testing. Allele origin: germline.
Comment: The DIP2A c.3076G>T variant is predicted to result in the amino acid substitution p.Ala1026Ser. To our knowledge, this variant has not been reported in the literature. This variant is reported in 0.00088% of alleles in individuals of European (Non-Finnish) descent in gnomAD. At this time, the clinical significance of this variant is uncertain due to the absence of conclusive functional and genetic evidence.

NM_015151.4(DIP2A):c.3076G>T (p.Ala1026Ser)

Gene: DIP2A (disco interacting protein 2 homolog A; plus strand). Cytogenetic location: 21q22.3.
Variant type: single nucleotide variant.
Coding change: c.3076G>T on transcript NM_015151.4 (MANE Select); coding-DNA position 3076, G replaced by T.
Protein change: p.Ala1026Ser; replaces alanine 1026 with serine.
Molecular consequence: missense variant.
Genome position (GRCh38, 1-based): chr21:46,554,214, G>T. VCF-style: chr21-46554214-G-T. GRCh37 (hg19) VCF-style: chr21-47974127-G-T.
Other names: c.3064G>T, p.Ala1022Ser (NM_001146116.2); c.3079G>T, p.Ala1027Ser (NM_001353942.2); c.3076G>T, p.Ala1026Ser (NM_001353943.2, NM_001410751.1); short protein forms A1022S, A1026S, A1027S.
Identifiers: ClinVar variation 2635747 (VCV002635747.1), dbSNP rs767769921, ClinGen allele CA10082668.